The following is an entry in ClinVar:

ClinVar aggregate classification (germline): Uncertain significance (1 of 4 stars; one submission).

Allele frequency attached by ClinVar (database versions not stated): gnomAD exomes below 0.00001.
gnomAD v4.1: 1 of 1,610,818 alleles (0.000062%); highest among the groups gnomAD compares: Non-Finnish European, 0.000085%; no homozygotes.

Submission:

Labcorp Genetics (formerly Invitae), Labcorp
Classification: Uncertain significance. Last evaluated: 2025-01-13. Review status: criteria provided, single submitter. Criteria: Invitae Variant Classification Sherloc (09022015). Collection method: clinical testing. Allele origin: germline.
Comment: This sequence change replaces serine, which is neutral and polar, with leucine, which is neutral and non-polar, at codon 1608 of the MPDZ protein (p.Ser1608Leu). This variant is not present in population databases (gnomAD no frequency). This variant has not been reported in the literature in individuals affected with MPDZ-related conditions. ClinVar contains an entry for this variant (Variation ID: 1354942). An algorithm developed to predict the effect of missense changes on protein structure and function (PolyPhen-2) suggests that this variant is likely to be disruptive. In summary, the available evidence is currently insufficient to determine the role of this variant in disease. Therefore, it has been classified as a Variant of Uncertain Significance.

NM_001378778.1(MPDZ):c.4823C>T (p.Ser1608Leu)

Gene: MPDZ (multiple PDZ domain crumbs cell polarity complex component; minus strand). Cytogenetic location: 9p23.
Variant type: single nucleotide variant.
Coding change: c.4823C>T on transcript NM_001378778.1 (MANE Select); coding-DNA position 4823, C replaced by T.
Protein change: p.Ser1608Leu; replaces serine 1608 with leucine.
Molecular consequence: missense variant.
Genome position (GRCh38, 1-based): chr9:13,123,283, G>A on the plus strand (C>T on the coding strand, the complement: MPDZ is on the minus strand). VCF-style: chr9-13123283-G-A. GRCh37 (hg19) VCF-style: chr9-13123282-G-A.
Other names: c.4724C>T, p.Ser1575Leu (NM_001261406.2, NM_001261407.2, NM_001375416.1 and 3 more transcripts); c.4823C>T, p.Ser1608Leu (NM_001330637.2, NM_003829.5); c.4922C>T, p.Ser1641Leu (NM_001375413.1); c.4613C>T, p.Ser1538Leu (NM_001375420.1, NM_001375421.1, NM_001375422.1 and 4 more transcripts); c.4415C>T, p.Ser1472Leu (NM_001375427.1); short protein forms S1472L, S1538L, S1575L, S1608L, S1641L.
Identifiers: ClinVar variation 1354942 (VCV001354942.8), dbSNP rs1944638568, ClinGen allele CA372945425.